The following is an entry in ClinVar:

NM_001458.5(FLNC):c.1825G>C (p.Glu609Gln)

Gene: FLNC (filamin C; plus strand). Cytogenetic location: 7q32.1.
Variant type: single nucleotide variant.
Coding change: c.1825G>C on transcript NM_001458.5 (MANE Select); coding-DNA position 1825, G replaced by C.
Protein change: p.Glu609Gln; replaces glutamic acid 609 with glutamine.
Molecular consequence: missense variant.
Genome position (GRCh38, 1-based): chr7:128,841,181, G>C. VCF-style: chr7-128841181-G-C. GRCh37 (hg19) VCF-style: chr7-128481235-G-C.
Other names: c.1825G>C, p.Glu609Gln (NM_001127487.2); short protein forms E609Q.
Identifiers: ClinVar variation 838910 (VCV000838910.10), dbSNP rs758389160, ClinGen allele CA369227153.

ClinVar aggregate classification (germline): Uncertain significance (1 of 4 stars; one submission).

Conditions:
Myofibrillar myopathy 5. Also called: Filaminopathy (type); FILAMINOPATHY, AUTOSOMAL DOMINANT. Identifiers: Orphanet 171445, MedGen C1836050, MONDO:0012289, OMIM 609524.
Hypertrophic cardiomyopathy 26. Also called: Cardiomyopathy, familial hypertrophic, 26. Identifiers: Orphanet 75249, MedGen C4310749, MONDO:0014883, OMIM 617047.
Distal myopathy with posterior leg and anterior hand involvement. Also called: WILLIAMS DISTAL MYOPATHY. Identifiers: Orphanet 63273, MedGen C3279722, MONDO:0013550, OMIM 614065.

gnomAD v4.1: 1 of 1,613,846 alleles (0.000062%); highest among the groups gnomAD compares: African/African-American, 0.0013%; no homozygotes.

Submission:

Labcorp Genetics (formerly Invitae), Labcorp
Classification: Uncertain significance for Distal myopathy with posterior leg and anterior hand involvement; Myofibrillar myopathy 5; Hypertrophic cardiomyopathy 26. Last evaluated: 2024-04-25. Review status: criteria provided, single submitter. Criteria: Invitae Variant Classification Sherloc (09022015). Collection method: clinical testing. Allele origin: germline.
Comment: This sequence change replaces glutamic acid, which is acidic and polar, with glutamine, which is neutral and polar, at codon 609 of the FLNC protein (p.Glu609Gln). This variant is not present in population databases (gnomAD no frequency). This variant has not been reported in the literature in individuals affected with FLNC-related conditions. ClinVar contains an entry for this variant (Variation ID: 838910). Advanced modeling of protein sequence and biophysical properties (such as structural, functional, and spatial information, amino acid conservation, physicochemical variation, residue mobility, and thermodynamic stability) has been performed at Invitae for this missense variant, however the output from this modeling did not meet the statistical confidence thresholds required to predict the impact of this variant on FLNC protein function. In summary, the available evidence is currently insufficient to determine the role of this variant in disease. Therefore, it has been classified as a Variant of Uncertain Significance.